The following is an entry in ClinVar:

ClinVar aggregate classification (germline): Uncertain significance. Review status: criteria provided, multiple submitters, no conflicts (2 of 4 stars). 2 submissions from 2 submitters: Uncertain significance (2). Last evaluated 2024-05-03.

Conditions:
Autosomal recessive limb-girdle muscular dystrophy type 2P. Also called: MUSCULAR DYSTROPHY-DYSTROGLYCANOPATHY, LIMB-GIRDLE, DAG1-RELATED; MUSCULAR DYSTROPHY, LIMB-GIRDLE, TYPE 2P; Limb-Girdle Muscular Dystrophy Type 9C. Identifiers: Orphanet 280333, MedGen C4511963, MONDO:0013440, OMIM 613818.
Muscular dystrophy-dystroglycanopathy (congenital with brain and eye anomalies), type A9. Also called: Muscular dystrophy-dystroglycanopathy (congenital with brain and eye anomalies), type a, 9; WALKER-WARBURG SYNDROME OR MUSCLE-EYE BRAIN DISEASE, DAG1-RELATED. Identifiers: Orphanet 370997, Orphanet 899, MedGen C4225291, MONDO:0014683, OMIM 616538.

Allele frequency attached by ClinVar (database versions not stated): gnomAD exomes below 0.00001 and 0.00003; TOPMed below 0.00001; ExAC 0.00001.
gnomAD v4.1: 49 of 1,614,210 alleles (0.003%); highest among the groups gnomAD compares: Non-Finnish European, 0.0041%; no homozygotes.

Submissions (2):

Revvity Omics, Revvity
Classification: Uncertain significance. Last evaluated: 2024-05-03. Review status: criteria provided, single submitter. Criteria: ACMG Guidelines, 2015. Collection method: clinical testing. Allele origin: germline.

Labcorp Genetics (formerly Invitae), Labcorp
Classification: Uncertain significance for Autosomal recessive limb-girdle muscular dystrophy type 2P; Muscular dystrophy-dystroglycanopathy (congenital with brain and eye anomalies), type A9. Last evaluated: 2022-02-07. Review status: criteria provided, single submitter. Criteria: Invitae Variant Classification Sherloc (09022015). Collection method: clinical testing. Allele origin: germline.
Comment: Algorithms developed to predict the effect of missense changes on protein structure and function (SIFT, PolyPhen-2, Align-GVGD) all suggest that this variant is likely to be tolerated. In summary, the available evidence is currently insufficient to determine the role of this variant in disease. Therefore, it has been classified as a Variant of Uncertain Significance. This variant has not been reported in the literature in individuals affected with DAG1-related conditions. This variant is present in population databases (rs757948629, gnomAD 0.002%). This sequence change replaces glycine, which is neutral and non-polar, with aspartic acid, which is acidic and polar, at codon 175 of the DAG1 protein (p.Gly175Asp).

NM_004393.6(DAG1):c.524G>A (p.Gly175Asp)

Gene: DAG1 (dystroglycan 1; plus strand). Cytogenetic location: 3p21.31.
Variant type: single nucleotide variant.
Coding change: c.524G>A on transcript NM_004393.6 (MANE Select); coding-DNA position 524, G replaced by A.
Protein change: p.Gly175Asp; replaces glycine 175 with aspartic acid.
Molecular consequence: missense variant.
Genome position (GRCh38, 1-based): chr3:49,531,035, G>A. VCF-style: chr3-49531035-G-A. GRCh37 (hg19) VCF-style: chr3-49568468-G-A.
Other names: c.524G>A, p.Gly175Asp (NM_001165928.4, NM_001177634.3, NM_001177635.3 and 9 more transcripts); short protein forms G175D.
Identifiers: ClinVar variation 1438028 (VCV001438028.9), dbSNP rs757948629, ClinGen allele CA2398923.